The following is an entry in ClinVar:

ClinVar aggregate classification (germline): Conflicting classifications of pathogenicity. Review status: criteria provided, conflicting classifications (1 of 4 stars). 4 submissions from 4 submitters: Uncertain significance (3); Benign (1). Last evaluated 2025-12-22.

Conditions:
Breast-ovarian cancer, familial, susceptibility to, 2 (BROVCA2). Also called: BRCA2 Hereditary Breast and Ovarian Cancer. Identifiers: Orphanet 145, MedGen C2675520, MONDO:0012933, OMIM 612555. Disease mechanism: loss of function.

Submissions (4):

Dasa
Classification: Benign for Breast-ovarian cancer, familial, susceptibility to, 2. Last evaluated: 2025-12-22. Review status: criteria provided, single submitter. Criteria: DASA Assertion Criteria. Collection method: clinical testing. Allele origin: germline.
Comment: NM_000059.4(BRCA2):c.230C>T (p.Thr77Ile) is a missense variant that results in the substitution of threonine with isoleucine. Functional evidence supports a deleterious effect on the gene or gene product. The variant is present at low frequency in population datasets. Based on the available data, this variant is classified as benign.

GeneDx
Classification: Uncertain significance. Last evaluated: 2025-06-09. Review status: criteria provided, single submitter. Criteria: GeneDx Variant Classification Process June 2021. Collection method: clinical testing. Allele origin: germline. Affected: yes.
Comment: Not observed at significant frequency in large population cohorts (gnomAD); In silico analysis suggests that this missense variant does not alter protein structure/function; Has not been previously published as pathogenic or benign to our knowledge; Also known as 458C>T

Quest Diagnostics Nichols Institute San Juan Capistrano
Classification: Uncertain significance. Last evaluated: 2023-08-24. Review status: criteria provided, single submitter. Criteria: Quest Diagnostics criteria. Collection method: clinical testing. Allele origin: unknown.
Comment: To the best of our knowledge, this variant has not been reported in the published literature. It also has not been reported in large, multi-ethnic general populations (Genome Aggregation Database). Analysis of this variant using bioinformatics tools for the prediction of the effect of amino acid changes on protein structure and function yielded conflicting predictions that this variant is benign or damaging. Based on the available information, we are unable to determine the clinical significance of this variant.

Women's Health and Genetics/Laboratory Corporation of America, LabCorp
Classification: Uncertain significance. Last evaluated: 2017-04-07. Review status: criteria provided, single submitter. Criteria: LabCorp Variant Classification Summary - May 2015. Collection method: clinical testing. Allele origin: germline.
Comment: Variant summary: The BRCA2 c.230C>T (p.Thr77Ile) variant involves the alteration of a conserved nucleotide and is predicted to be damaging by 5/5 in silico tools. The variant is located in mitotic polo-like kinase 1-binding motif (Plk1) and the motif is conserved among diverse species. Plk1 is a key regulator of mitosis from mitotic initiation to cytokinesis.Plk1 is also required for appropriate localization of substrates. Studies have also revealed that Plk1 binds to the N-terminal region of BRCA2 and phosphorylates Ser193, and that this phosphorylation is enhanced as mitosis progresses (reviewed in Takaoka_2014). This variant is absent in 121186 control chromosomes from ExAC. The variant of interest has not, to our knowledge, been reported in affected individuals via publications and/or reputable databases/clinical diagnostic laboratories. Another variant at this residue T77A has been classified as VUS by multiple submitters in ClinVar. Taken together, due to lack of clinical and functional information, this variant is classified as variant of uncertain significance (VUS) until additional information becomes available.

NM_000059.4(BRCA2):c.230C>T (p.Thr77Ile)

Gene: BRCA2 (BRCA2 DNA repair associated; plus strand). Cytogenetic location: 13q13.1.
Variant type: single nucleotide variant.
Coding change: c.230C>T on transcript NM_000059.4 (MANE Select); coding-DNA position 230, C replaced by T.
Protein change: p.Thr77Ile; replaces threonine 77 with isoleucine.
Molecular consequence: missense variant.
Genome position (GRCh38, 1-based): chr13:32,319,239, C>T. VCF-style: chr13-32319239-C-T. GRCh37 (hg19) VCF-style: chr13-32893376-C-T.
Other names: short protein forms T77I.
Identifiers: ClinVar variation 495440 (VCV000495440.4), dbSNP rs1003162870, ClinGen allele CA247481251.
Genomic context (GRCh38, chr13:32,319,239, plus strand): 5'-ACGAACCAAACCTATTTAAAACTCCACAAAGGAAACCATCTTATAATCAGCTGGCTTCAA[C>T]TCCAATAATATTCAAAGAGCAAGGGCTGACTCTGCCGCTGTACCAATCTCCTGTAAAAGA-3'
Protein context (NP_000050.3, residues 67-87): RKPSYNQLAS[Thr77Ile]PIIFKEQGLT